The following is an entry in ClinVar:

NM_001184.4(ATR):c.1139T>C (p.Leu380Ser)

Gene: ATR (ATR serine/threonine kinase; minus strand). Cytogenetic location: 3q23.
Variant type: single nucleotide variant.
Coding change: c.1139T>C on transcript NM_001184.4 (MANE Select); coding-DNA position 1139, T replaced by C.
Protein change: p.Leu380Ser; replaces leucine 380 with serine.
Molecular consequence: missense variant.
Genome position (GRCh38, 1-based): chr3:142,562,263, A>G on the plus strand (T>C on the coding strand, the complement: ATR is on the minus strand). VCF-style: chr3-142562263-A-G. GRCh37 (hg19) VCF-style: chr3-142281105-A-G.
Other names: c.1139T>C, p.Leu380Ser (NM_001354579.2); short protein forms L380S.
Identifiers: ClinVar variation 3690321 (VCV003690321.1).

ClinVar aggregate classification (germline): Uncertain significance (1 of 4 stars; one submission).

Submission:

Labcorp Genetics (formerly Invitae), Labcorp
Classification: Uncertain significance. Last evaluated: 2024-03-15. Review status: criteria provided, single submitter. Criteria: Invitae Variant Classification Sherloc (09022015). Collection method: clinical testing. Allele origin: germline.
Comment: This sequence change replaces leucine, which is neutral and non-polar, with serine, which is neutral and polar, at codon 380 of the ATR protein (p.Leu380Ser). This variant is not present in population databases (gnomAD no frequency). This variant has not been reported in the literature in individuals affected with ATR-related conditions. An algorithm developed to predict the effect of missense changes on protein structure and function (PolyPhen-2) suggests that this variant¬†is likely to be tolerated. In summary, the available evidence is currently insufficient to determine the role of this variant in disease. Therefore, it has been classified as a Variant of Uncertain Significance.